The following is an entry in ClinVar:

ClinVar aggregate classification (germline): Uncertain significance (1 of 4 stars; one submission).

Conditions:
Spastic paraplegia. Identifiers: MedGen C0037772, HP:0001258.

Submission:

Labcorp Genetics (formerly Invitae), Labcorp
Classification: Uncertain significance for Spastic paraplegia. Last evaluated: 2026-01-17. Review status: criteria provided, single submitter. Criteria: Invitae Variant Classification Sherloc (09022015). Collection method: clinical testing. Allele origin: germline.
Comment: This sequence change falls in intron 2 of the KIF5A gene. It does not directly change the encoded amino acid sequence of the KIF5A protein. It affects a nucleotide within the consensus splice site. This variant is not present in population databases (gnomAD no frequency). This variant has not been reported in the literature in individuals affected with KIF5A-related conditions. ClinVar contains an entry for this variant (Variation ID: 3019998). Variants that disrupt the consensus splice site are a relatively common cause of aberrant splicing (PMID: 17576681, 9536098). Algorithms developed to predict the effect of sequence changes on RNA splicing suggest that this variant is not likely to affect RNA splicing. In summary, the available evidence is currently insufficient to determine the role of this variant in disease. Therefore, it has been classified as a Variant of Uncertain Significance.

Literature cited by the submitters: PubMed 17576681; PubMed 9536098.

NM_004984.4(KIF5A):c.217+6A>C

Gene: KIF5A (kinesin family member 5A; plus strand). Cytogenetic location: 12q13.3.
Variant type: single nucleotide variant.
Coding change: c.217+6A>C on transcript NM_004984.4 (MANE Select); 6 bases into the intron after coding-DNA position 217, A replaced by C.
Molecular consequence: intron variant.
Genome position (GRCh38, 1-based): chr12:57,563,532, A>C. VCF-style: chr12-57563532-A-C. GRCh37 (hg19) VCF-style: chr12-57957315-A-C.
Other names: c.130-928A>C (NM_001354705.2).
Identifiers: ClinVar variation 3019998 (VCV003019998.3), dbSNP rs2540492996, ClinGen allele CA2575203530.
Genomic context (GRCh38, chr12:57,563,532, plus strand): 5'-CCAAACACGACTCAAGAGCAAGTTTATCATGCATGTGCCATGCAGATTGTCAAAGGTAAT[A>C]GATTTCTTTTTAGAATGTCTCTTCTCAGCACCCCATTTCCTACCCGACCTATCTCCACCA-3'